The following is an entry in ClinVar:

NM_003183.6(ADAM17):c.178C>A (p.Leu60Ile)

Gene: ADAM17 (ADAM metallopeptidase domain 17; minus strand). Cytogenetic location: 2p25.1.
Variant type: single nucleotide variant.
Coding change: c.178C>A on transcript NM_003183.6 (MANE Select); coding-DNA position 178, C replaced by A.
Protein change: p.Leu60Ile; replaces leucine 60 with isoleucine.
Molecular consequence: missense variant. On other transcripts: 5 prime UTR variant (2).
Genome position (GRCh38, 1-based): chr2:9,543,205, G>T on the plus strand (C>A on the coding strand, the complement: ADAM17 is on the minus strand). VCF-style: chr2-9543205-G-T. GRCh37 (hg19) VCF-style: chr2-9683334-G-T.
Other names: c.-503C>A (NM_001382777.1); c.-745C>A (NM_001382778.1); short protein forms L60I.
Identifiers: ClinVar variation 1082186 (VCV001082186.10), dbSNP rs112594248, ClinGen allele CA1523849.

ClinVar aggregate classification (germline): Likely benign. Review status: criteria provided, multiple submitters, no conflicts (2 of 4 stars). 2 submissions from 2 submitters: Likely benign (2). Last evaluated 2026-01-19.

Conditions:
Inflammatory skin and bowel disease, neonatal, 1. Identifiers: Orphanet 294023, MedGen C3280501, MONDO:0013693, OMIM 614328.

Allele frequency attached by ClinVar (database versions not stated): gnomAD exomes 0.00022; 1000 Genomes Project 30x 0.00031; ExAC 0.00035; 1000 Genomes Project 0.00040; gnomAD 0.00066 and 0.00071; TOPMed 0.00079; ESP Exome Variant Server 0.00085.
gnomAD v4.1: 191 of 1,610,494 alleles (0.012%); highest among the groups gnomAD compares: African/African-American, 0.23%; 1 homozygote.

Submissions (2):

Labcorp Genetics (formerly Invitae), Labcorp
Classification: Likely benign for Inflammatory skin and bowel disease, neonatal, 1. Last evaluated: 2026-01-19. Review status: criteria provided, single submitter. Criteria: Invitae Variant Classification Sherloc (09022015). Collection method: clinical testing. Allele origin: germline.

Women's Health and Genetics/Laboratory Corporation of America, LabCorp
Classification: Likely benign. Last evaluated: 2026-01-09. Review status: criteria provided, single submitter. Criteria: LabCorp Variant Classification Summary - May 2015. Collection method: clinical testing. Allele origin: germline.
Comment: Variant summary: ADAM17 c.178C>A (p.Leu60Ile) results in a conservative amino acid change in the encoded protein sequence. Algorithms developed to predict the effect of missense changes on protein structure and function are either unavailable or do not agree on the potential impact of this missense change. The variant allele was found at a frequency of 0.00022 in 248420 control chromosomes, predominantly at a frequency of 0.0034 within the African or African-American subpopulation in the gnomAD database. The observed variant frequency within African or African-American control individuals in the gnomAD database exceeds the estimated maximal expected allele frequency for disease-causing variants in ADAM17. To our knowledge, no occurrence of c.178C>A in individuals affected with ADAM17-related conditions and no experimental evidence demonstrating its impact on protein function have been reported. ClinVar contains an entry for this variant (Variation ID: 1082186). Based on the evidence outlined above, the variant was classified as likely benign.